The following is an entry in ClinVar:

NM_003036.4(SKI):c.446_448del (p.Tyr149del)

Gene: SKI (SKI proto-oncogene; plus strand). Cytogenetic location: 1p36.33.
Variant type: Deletion.
Coding change: c.446_448del on transcript NM_003036.4 (MANE Select); coding-DNA positions 446 to 448, 3 bases deleted (ACT; older notation c.446_448delACT).
Protein change: p.Tyr149del; deletes tyrosine 149.
Molecular consequence: inframe deletion.
Genome position (GRCh38, 1-based): chr1:2,229,212-2,229,214, ACT deleted; deleting any 3 consecutive bases within chr1:2,229,210-2,229,214 gives the same sequence; the c. name uses the placement nearest the transcript's 3' end. VCF-style (leftmost placement, unchanged base first): chr1-2229209-TCTA-T. GRCh37 (hg19) VCF-style: chr1-2160648-TCTA-T.
Other names: short protein forms Y149del.
Identifiers: ClinVar variation 4723959 (VCV004723959.1).
Genomic context (GRCh38, chr1:2,229,209, plus strand): 5'-ACTCGGTGCTGCGCGACTTCTCGCTGCAGCAGATCAACGCGGTGTGCGACGAGCTCCACA[TCTA>T]CTGCTCGCGCTGCACGGCCGACCAGCTGGAGATCCTCAAAGTCATGGGCATCCTGCCCTT-3'

ClinVar aggregate classification (germline): Uncertain significance (1 of 4 stars; one submission).

Conditions:
Shprintzen-Goldberg syndrome (SGS). Also called: Marfanoid disorder with craniosynostosis type 1; Marfanoid craniosynostosis syndrome; Shprintzen-Goldberg marfanoid syndrome; SHPRINTZEN-GOLDBERG CRANIOSYNOSTOSIS SYNDROME; CRANIOSYNOSTOSIS WITH ARACHNODACTYLY AND ABDOMINAL HERNIAS. Identifiers: Orphanet 2462, MedGen C1321551, MONDO:0008426, OMIM 182212.

Submission:

Labcorp Genetics (formerly Invitae), Labcorp
Classification: Uncertain significance for Shprintzen-Goldberg syndrome. Last evaluated: 2025-12-23. Review status: criteria provided, single submitter. Criteria: Invitae Variant Classification Sherloc (09022015). Collection method: clinical testing. Allele origin: germline.
Comment: This variant, c.446_448del, results in the deletion of 1 amino acid(s) of the SKI protein (p.Tyr149del), but otherwise preserves the integrity of the reading frame. This variant is not present in population databases (gnomAD no frequency). This variant has not been reported in the literature in individuals affected with SKI-related conditions. Experimental studies and prediction algorithms are not available or were not evaluated, and the functional significance of this variant is currently unknown. In summary, the available evidence is currently insufficient to determine the role of this variant in disease. Therefore, it has been classified as a Variant of Uncertain Significance.